The following is an entry in ClinVar:

NM_000038.6(APC):c.8124T>G (p.Asn2708Lys)

Gene: APC (APC regulator of Wnt signaling pathway; plus strand). Cytogenetic location: 5q22.2.
Variant type: single nucleotide variant.
Coding change: c.8124T>G on transcript NM_000038.6 (MANE Select); coding-DNA position 8124, T replaced by G.
Protein change: p.Asn2708Lys; replaces asparagine 2708 with lysine.
Molecular consequence: missense variant. On other transcripts: non-coding transcript variant (2).
Genome position (GRCh38, 1-based): chr5:112,843,718, T>G. VCF-style: chr5-112843718-T-G. GRCh37 (hg19) VCF-style: chr5-112179415-T-G.
Other names: c.7875T>G, p.Asn2625Lys (NM_001407457.1, NM_001407454.1, NM_001407455.1 and 1 more transcripts); c.7821T>G, p.Asn2607Lys (NM_001407458.1, NM_001407459.1, NM_001407460.1 and 1 more transcripts); c.7737T>G, p.Asn2579Lys (NM_001407467.1, NM_001407469.1); c.7275T>G, p.Asn2425Lys (NM_001407470.1, NM_001354906.2); c.6972T>G, p.Asn2324Lys (NM_001407471.1, NM_001407472.1); c.7644T>G, p.Asn2548Lys (NM_001354905.2); c.8208T>G, p.Asn2736Lys (NM_001407446.1); c.8178T>G, p.Asn2726Lys (NM_001407447.1, NM_001407448.1, NM_001407449.1 and 1 more transcripts); and 11 more; short protein forms N2548K, N2582K, N2625K, N2683K, N2698K, N2736K, N2425K, N2617K.
Identifiers: ClinVar variation 4843516 (VCV004843516.1).

ClinVar aggregate classification (germline): Uncertain significance (1 of 4 stars; one submission).

Conditions:
Hereditary cancer-predisposing syndrome. Also called: Neoplastic Syndromes, Hereditary; Tumor predisposition; Hereditary Cancer Syndrome; Hereditary neoplastic syndrome. Identifiers: Orphanet 140162, MedGen C0027672, MeSH D009386, MONDO:0015356.

Submission:

Ambry Genetics
Classification: Uncertain significance for Hereditary cancer-predisposing syndrome. Last evaluated: 2025-12-18. Review status: criteria provided, single submitter. Criteria: Ambry Variant Classification Scheme 2023. Collection method: clinical testing. Allele origin: germline.
Comment: The p.N2708K variant (also known as c.8124T>G), located in coding exon 15 of the APC gene, results from a T to G substitution at nucleotide position 8124. The asparagine at codon 2708 is replaced by lysine, an amino acid with similar properties. This amino acid position is conserved. In addition, in silico predictors for this gene do not accurately predict pathogenicity. Based on the available evidence, the clinical significance of this variant remains unclear.